The following is an entry in ClinVar:

ClinVar aggregate classification (germline): Conflicting classifications of pathogenicity. Review status: criteria provided, conflicting classifications (1 of 4 stars). 8 submissions from 8 submitters: Uncertain significance (6); Likely benign (1). 1 of the submissions does not count toward it. Last evaluated 2026-08-18.

Conditions:
GPD1-related disorder. Also called: GPD1-related condition.
Inborn genetic diseases. Identifiers: MedGen C0950123, MeSH D030342.
Transient infantile hypertriglyceridemia and hepatosteatosis. Identifiers: Orphanet 300293, MedGen C3280953, MONDO:0013771, OMIM 614480.

Allele frequency attached by ClinVar (database versions not stated): 1000 Genomes Project 0.00100; TOPMed 0.00109; 1000 Genomes Project 30x 0.00141; ESP Exome Variant Server 0.00169.
gnomAD v4.1: 3,119 of 1,607,260 alleles (0.19%); highest among the groups gnomAD compares: Non-Finnish European, 0.25%; 5 homozygotes.

Submissions (8):

PreventionGenetics, part of Exact Sciences
Classification: Uncertain significance for GPD1-related condition. Last evaluated: 2026-08-18. Review status: criteria provided, single submitter. Criteria: ACMG Guidelines, 2015. Collection method: clinical testing. Allele origin: germline.
Comment: The GPD1 c.361G>A variant is predicted to result in the amino acid substitution p.Gly121Arg. This variant has been reported in two genetic testing studies for dyslipidemias (Table S4, Dron et al. 2020. PubMed ID: 32041611; Table S2, Deshotels et al. 2022. PubMed ID: 36325899). This variant is reported in 0.19% of alleles in individuals of European (Non-Finnish) descent in gnomAD. Although we suspect that this variant may be benign, at this time, the clinical significance of this variant is uncertain due to the absence of conclusive functional and genetic evidence.

Ambry Genetics
Classification: Uncertain significance for Inborn genetic diseases. Last evaluated: 2026-05-26. Review status: criteria provided, single submitter. Criteria: Ambry Variant Classification Scheme 2023. Collection method: clinical testing. Allele origin: germline.
Comment: The c.361G>A (p.G121R) alteration is located in exon 4 (coding exon 4) of the GPD1 gene. This alteration results from a G to A substitution at nucleotide position 361, causing the glycine (G) at amino acid position 121 to be replaced by an arginine (R). Based on data from gnomAD, the A allele has an overall frequency of 0.105% (286/273260) total alleles studied. The highest observed frequency was 0.195% (244/125398) of European (non-Finnish) alleles. Based on insufficient or conflicting evidence, the clinical significance of this alteration remains unclear.

Labcorp Genetics (formerly Invitae), Labcorp
Classification: Likely benign. Last evaluated: 2026-01-19. Review status: criteria provided, single submitter. Criteria: Invitae Variant Classification Sherloc (09022015). Collection method: clinical testing. Allele origin: germline.

GeneDx
Classification: Uncertain significance. Last evaluated: 2023-04-20. Review status: criteria provided, single submitter. Criteria: GeneDx Variant Classification Process June 2021. Collection method: clinical testing. Allele origin: germline. Affected: yes.
Comment: Has been reported as a variant of uncertain significance in an individual with dyslipidemia (Dron et al., 2020); In silico analysis supports that this missense variant has a deleterious effect on protein structure/function; This variant is associated with the following publications: (PMID: 32041611, 34758253)

Baylor Genetics
Classification: Uncertain significance for Transient infantile hypertriglyceridemia and hepatosteatosis. Last evaluated: 2022-11-14. Review status: criteria provided, single submitter. Criteria: ACMG Guidelines, 2015. Collection method: clinical testing. Allele origin: unknown.

Clinical Genetics Laboratory, Skane University Hospital Lund
Classification: Uncertain significance. Last evaluated: 2022-05-27. Review status: criteria provided, single submitter. Criteria: ACMG Guidelines, 2015. Collection method: clinical testing. Allele origin: germline. Affected: yes.

CeGaT Center for Human Genetics Tuebingen
Classification: Uncertain significance. Last evaluated: 2021-02-01. Review status: criteria provided, single submitter. Criteria: CeGaT Center For Human Genetics Tuebingen Variant Classification Criteria Version 2. Collection method: clinical testing. Allele origin: germline. Affected: yes. Observed: 2 variant alleles.

Genomics England Pilot Project, Genomics England
Classification: Likely pathogenic for Transient infantile hypertriglyceridemia and hepatosteatosis. Review status: no assertion criteria provided. Criteria: ACGS Guidelines, 2016. Collection method: clinical testing. Allele origin: germline. Affected: yes. Not counted in ClinVar's aggregate classification.

NM_005276.4(GPD1):c.361G>A (p.Gly121Arg)

Gene: GPD1 (glycerol-3-phosphate dehydrogenase 1; plus strand). Cytogenetic location: 12q13.12.
Variant type: single nucleotide variant.
Coding change: c.361G>A on transcript NM_005276.4 (MANE Select); coding-DNA position 361, G replaced by A.
Protein change: p.Gly121Arg; replaces glycine 121 with arginine.
Molecular consequence: missense variant.
Genome position (GRCh38, 1-based): chr12:50,106,288, G>A. VCF-style: chr12-50106288-G-A. GRCh37 (hg19) VCF-style: chr12-50500071-G-A.
Other names: c.292G>A, p.Gly98Arg (NM_001257199.2); c.361G>A (NM_005276.2); short protein forms G121R, G98R.
Identifiers: ClinVar variation 702598 (VCV000702598.56), dbSNP rs35428353, ClinGen allele CA6561568.